The following is an entry in ClinVar:

NM_000362.5(TIMP3):c.438G>A (p.Lys146=)

Genes: SYN3 (synapsin III; minus strand), TIMP3 (TIMP metallopeptidase inhibitor 3; plus strand). Cytogenetic location: 22q12.3.
Variant type: single nucleotide variant.
Coding change: c.438G>A on transcript NM_000362.5 (MANE Select); coding-DNA position 438, G replaced by A.
Protein change: p.Lys146=; no amino-acid change (lysine 146 retained).
Molecular consequence: synonymous variant. On other transcripts: intron variant (7).
Genome position (GRCh38, 1-based): chr22:32,858,138, G>A. VCF-style: chr22-32858138-G-A. GRCh37 (hg19) VCF-style: chr22-33254125-G-A.
Other names: c.708+6777C>T (NM_001369909.1, NM_001135774.2, NM_001369910.1); c.711+6777C>T (NM_001369907.1, NM_003490.4, NM_001369908.1 and 1 more transcripts).
Identifiers: ClinVar variation 1398190 (VCV001398190.9), dbSNP rs754433006, ClinGen allele CA10202249.

ClinVar aggregate classification (germline): Uncertain significance. Review status: criteria provided, multiple submitters, no conflicts (2 of 4 stars). 2 submissions from 2 submitters: Uncertain significance (2). Last evaluated 2024-03-13.

Allele frequency attached by ClinVar (database versions not stated): gnomAD exomes below 0.00001 and 0.00001; ExAC 0.00001.
gnomAD v4.1: 4 of 1,613,684 alleles (0.00025%); highest among the groups gnomAD compares: Admixed American, 0.005%; no homozygotes.

Submissions (2):

Labcorp Genetics (formerly Invitae), Labcorp
Classification: Uncertain significance. Last evaluated: 2024-03-13. Review status: criteria provided, single submitter. Criteria: Invitae Variant Classification Sherloc (09022015). Collection method: clinical testing. Allele origin: germline.
Comment: This sequence change affects codon 146 of the TIMP3 mRNA. It is a 'silent' change, meaning that it does not change the encoded amino acid sequence of the TIMP3 protein. This variant also falls at the last nucleotide of exon 4, which is part of the consensus splice site for this exon. This variant is present in population databases (rs754433006, gnomAD 0.006%). This variant has not been reported in the literature in individuals affected with TIMP3-related conditions. ClinVar contains an entry for this variant (Variation ID: 1398190). Variants that disrupt the consensus splice site are a relatively common cause of aberrant splicing (PMID: 17576681, 9536098). Algorithms developed to predict the effect of sequence changes on RNA splicing suggest that this variant is not likely to affect RNA splicing. In summary, the available evidence is currently insufficient to determine the role of this variant in disease. Therefore, it has been classified as a Variant of Uncertain Significance.

Blueprint Genetics
Classification: Uncertain significance. Last evaluated: 2022-09-26. Review status: criteria provided, single submitter. Criteria: ACMG Guidelines, 2015. Collection method: clinical testing. Allele origin: germline.

Literature cited by the submitters: PubMed 17576681 (cited by Labcorp Genetics (formerly Invitae), Labcorp); PubMed 9536098 (cited by Labcorp Genetics (formerly Invitae), Labcorp).